The following is an entry in ClinVar:

NM_006922.4(SCN3A):c.4889G>A (p.Arg1630Gln)

Gene: SCN3A (sodium voltage-gated channel alpha subunit 3; minus strand). Cytogenetic location: 2q24.3.
Variant type: single nucleotide variant.
Coding change: c.4889G>A on transcript NM_006922.4 (MANE Select); coding-DNA position 4889, G replaced by A.
Protein change: p.Arg1630Gln; replaces arginine 1630 with glutamine.
Molecular consequence: missense variant.
Genome position (GRCh38, 1-based): chr2:165,091,264, C>T on the plus strand (G>A on the coding strand, the complement: SCN3A is on the minus strand). VCF-style: chr2-165091264-C-T. GRCh37 (hg19) VCF-style: chr2-165947774-C-T.
Other names: c.4742G>A, p.Arg1581Gln (NM_001081676.2, NM_001081677.2); short protein forms R1581Q, R1630Q.
Identifiers: ClinVar variation 4527072 (VCV004527072.1).

ClinVar aggregate classification (germline): Uncertain significance (1 of 4 stars; one submission).

gnomAD v4.1: 1 of 1,614,072 alleles (0.000062%); highest among the groups gnomAD compares: Non-Finnish European, 0.000085%; no homozygotes.

Submission:

GeneDx
Classification: Uncertain significance. Last evaluated: 2025-04-28. Review status: criteria provided, single submitter. Criteria: GeneDx Variant Classification Process June 2021. Collection method: clinical testing. Allele origin: germline. Affected: yes.
Comment: Not observed at significant frequency in large population cohorts (gnomAD); In silico analysis supports that this missense variant has a deleterious effect on protein structure/function; Has not been previously published as pathogenic or benign to our knowledge